The following is an entry in ClinVar:

ClinVar aggregate classification (germline): Uncertain significance (1 of 4 stars; one submission).

Submission:

CeGaT Center for Human Genetics Tuebingen
Classification: Uncertain significance. Last evaluated: 2025-12-01. Review status: criteria provided, single submitter. Criteria: CeGaT Center For Human Genetics Tuebingen Variant Classification Criteria Version 2. Collection method: clinical testing. Allele origin: germline. Affected: yes. Observed: 1 variant allele.
Comment: COL4A1: PM2

NM_001845.6(COL4A1):c.2777A>G (p.Lys926Arg)

Gene: COL4A1 (collagen type IV alpha 1 chain; minus strand). Cytogenetic location: 13q34.
Variant type: single nucleotide variant.
Coding change: c.2777A>G on transcript NM_001845.6 (MANE Select); coding-DNA position 2777, A replaced by G.
Protein change: p.Lys926Arg; replaces lysine 926 with arginine.
Molecular consequence: missense variant.
Genome position (GRCh38, 1-based): chr13:110,176,977, T>C on the plus strand (A>G on the coding strand, the complement: COL4A1 is on the minus strand). VCF-style: chr13-110176977-T-C. GRCh37 (hg19) VCF-style: chr13-110829324-T-C.
Other names: short protein forms K926R.
Identifiers: ClinVar variation 4682072 (VCV004682072.5).
Genomic context (GRCh38, chr13:110,176,977, plus strand): 5'-ATGCTGCCCATGTCCACCTTATCCATGGAGCCAGGCTTGCCAGGGAGACCGACATCCCCC[T>C]TATCACCTTTCAAGCCAGGGTCTCCCCTGGGTCCTGAGGAGCCCGGAAAGCCATGGTCCC-3'
Protein context (NP_001836.3, residues 916-936): PRGDPGLKGD[Lys926Arg]GDVGLPGKPG